The following is an entry in ClinVar:

NM_172107.4(KCNQ2):c.829A>C (p.Thr277Pro)

Gene: KCNQ2 (potassium voltage-gated channel subfamily Q member 2; minus strand). Cytogenetic location: 20q13.33.
Variant type: single nucleotide variant.
Coding change: c.829A>C on transcript NM_172107.4 (MANE Select); coding-DNA position 829, A replaced by C.
Protein change: p.Thr277Pro; replaces threonine 277 with proline.
Molecular consequence: missense variant.
Genome position (GRCh38, 1-based): chr20:63,439,696, T>G on the plus strand (A>C on the coding strand, the complement: KCNQ2 is on the minus strand). VCF-style: chr20-63439696-T-G. GRCh37 (hg19) VCF-style: chr20-62071049-T-G.
Other names: c.829A>C, p.Thr277Pro (NM_004518.6, NM_172106.3, NM_172108.5 and 1 more transcripts); short protein forms T277P.
Identifiers: ClinVar variation 643905 (VCV000643905.11), dbSNP rs1555870554, ClinGen allele CA409652741.

ClinVar aggregate classification (germline): Pathogenic (1 of 4 stars; one submission).

Conditions:
Early-infantile DEE. Also called: Early infantile epileptic encephalopathy with suppression bursts; Early infantile epileptic encephalopathy; Ohtahara syndrome. Identifiers: Orphanet 1934, MedGen C0393706, MONDO:0800491.

Submission:

Labcorp Genetics (formerly Invitae), Labcorp
Classification: Pathogenic for Early-infantile DEE. Last evaluated: 2022-04-04. Review status: criteria provided, single submitter. Criteria: Invitae Variant Classification Sherloc (09022015). Collection method: clinical testing. Allele origin: germline.
Comment: This sequence change replaces threonine, which is neutral and polar, with proline, which is neutral and non-polar, at codon 277 of the KCNQ2 protein (p.Thr277Pro). For these reasons, this variant has been classified as Pathogenic. This variant disrupts the p.Thr277 amino acid residue in KCNQ2. Other variant(s) that disrupt this residue have been determined to be pathogenic (PMID: 30182498; Invitae). This suggests that this residue is clinically significant, and that variants that disrupt this residue are likely to be disease-causing. Advanced modeling of protein sequence and biophysical properties (such as structural, functional, and spatial information, amino acid conservation, physicochemical variation, residue mobility, and thermodynamic stability) performed at Invitae indicates that this missense variant is expected to disrupt KCNQ2 protein function. ClinVar contains an entry for this variant (Variation ID: 643905). This missense change has been observed in individual(s) with clinical features of KCNQ2-related conditions (Invitae). In at least one individual the variant was observed to be de novo. This variant is not present in population databases (gnomAD no frequency).

Literature cited by the submitters: PubMed 30182498.